The following is an entry in ClinVar:

NM_022436.3(ABCG5):c.321del (p.Thr108fs)

Gene: ABCG5 (ATP binding cassette subfamily G member 5; minus strand). Cytogenetic location: 2p21.
Variant type: Deletion.
Coding change: c.321del on transcript NM_022436.3 (MANE Select); coding-DNA position 321, one base deleted (G; older notation c.321delG).
Protein change: p.Thr108fs; shifts the reading frame from threonine 108.
Molecular consequence: frameshift variant.
Genome position (GRCh38, 1-based): chr2:43,832,028, C deleted on the plus strand (G on the coding strand, the reverse complement: ABCG5 is on the minus strand); the first of 4 consecutive C bases (chr2:43,832,028-43,832,031); deleting any one gives the same sequence. VCF-style (leftmost placement, unchanged base first): chr2-43832027-TC-T. GRCh37 (hg19) VCF-style: chr2-44059166-TC-T.
Other names: short protein forms T108fs.
Identifiers: ClinVar variation 3992479 (VCV003992479.3).

ClinVar aggregate classification (germline): Pathogenic/Likely pathogenic. Review status: criteria provided, multiple submitters, no conflicts (2 of 4 stars). 3 submissions from 3 submitters: Pathogenic (2); Likely pathogenic (1). Last evaluated 2025-12-30.

Conditions:
ABCG5-related disorder. Also called: ABCG5-related condition.
Cardiovascular phenotype. Identifiers: MedGen CN230736.
Sitosterolemia (STSL). Also called: PHYTOSTEROLEMIA. Identifiers: Orphanet 2882, MedGen C0342907, MONDO:0008863.

Submissions (3):

PreventionGenetics, part of Exact Sciences
Classification: Likely pathogenic for ABCG5-related condition. Last evaluated: 2025-12-30. Review status: criteria provided, single submitter. Criteria: ACMG Guidelines, 2015. Collection method: clinical testing. Allele origin: germline.
Comment: The ABCG5 c.321delG variant is predicted to result in a frameshift and premature protein termination (p.Thr108Profs*8). To our knowledge, this variant has not been reported in the literature. This variant is reported in 0.0096% of alleles in individuals of African descent in gnomAD. Frameshift variants in ABCG5 are expected to be pathogenic. This variant is interpreted as likely pathogenic.

Ambry Genetics
Classification: Pathogenic for Cardiovascular phenotype. Last evaluated: 2025-05-01. Review status: criteria provided, single submitter. Criteria: Ambry Variant Classification Scheme 2023. Collection method: clinical testing. Allele origin: germline.
Comment: The c.321delG pathogenic mutation, located in coding exon 3 of the ABCG5 gene, results from a deletion of one nucleotide at nucleotide position 321, causing a translational frameshift with a predicted alternate stop codon (p.T108Pfs*8). This variant is considered to be rare based on population cohorts in the Genome Aggregation Database (gnomAD). This alteration is expected to result in loss of function by premature protein truncation or nonsense-mediated mRNA decay. As such, this alteration is interpreted as a disease-causing mutation. This amino acid position is well conserved in available vertebrate species.

Labcorp Genetics (formerly Invitae), Labcorp
Classification: Pathogenic for Sitosterolemia. Last evaluated: 2025-04-09. Review status: criteria provided, single submitter. Criteria: Invitae Variant Classification Sherloc (09022015). Collection method: clinical testing. Allele origin: germline.
Comment: This sequence change creates a premature translational stop signal (p.Thr108Profs*8) in the ABCG5 gene. It is expected to result in an absent or disrupted protein product. Loss-of-function variants in ABCG5 are known to be pathogenic (PMID: 11138003, 25665839). The frequency data for this variant in the population databases is considered unreliable, as metrics indicate poor data quality at this position in the gnomAD database. This variant has not been reported in the literature in individuals affected with ABCG5-related conditions. For these reasons, this variant has been classified as Pathogenic.

Literature cited by the submitters: PubMed 11138003 (cited by Labcorp Genetics (formerly Invitae), Labcorp); PubMed 25665839 (cited by Labcorp Genetics (formerly Invitae), Labcorp).